The following is an entry in ClinVar:

NM_001382241.1(TNPO2):c.648+7C>T

Gene: TNPO2 (transportin 2; minus strand). Cytogenetic location: 19p13.13.
Variant type: single nucleotide variant.
Coding change: c.648+7C>T on transcript NM_001382241.1 (MANE Select); 7 bases into the intron after coding-DNA position 648, C replaced by T.
Molecular consequence: intron variant.
Genome position (GRCh38, 1-based): chr19:12,715,236, G>A on the plus strand (C>T on the coding strand, the complement: TNPO2 is on the minus strand). VCF-style: chr19-12715236-G-A. GRCh37 (hg19) VCF-style: chr19-12826050-G-A.
Other names: c.648+7C>T (NM_001382237.1, NM_001382240.1, NM_001382238.1 and 7 more transcripts).
Identifiers: ClinVar variation 2503974 (VCV002503974.1), dbSNP rs550346172, ClinGen allele CA9229301.

ClinVar aggregate classification (germline): Uncertain significance (1 of 4 stars; one submission).

Allele frequency attached by ClinVar (database versions not stated): gnomAD exomes 0.00001; ExAC 0.00002; TOPMed 0.00002; gnomAD 0.00005; 1000 Genomes Project 30x 0.00016; 1000 Genomes Project 0.00020.
gnomAD v4.1: 23 of 1,613,678 alleles (0.0014%); highest among the groups gnomAD compares: Admixed American, 0.005%; no homozygotes.

Submission:

Women's Health and Genetics/Laboratory Corporation of America, LabCorp
Classification: Uncertain significance. Last evaluated: 2023-04-17. Review status: criteria provided, single submitter. Criteria: LabCorp Variant Classification Summary - May 2015. Collection method: clinical testing. Allele origin: germline.
Comment: Variant summary: TNPO2 c.648+7C>T alters a non-conserved nucleotide located close to a canonical splice site and therefore could affect mRNA splicing, leading to a significantly altered protein sequence. 4/4 computational tools predict no significant impact on normal splicing. However, these predictions have yet to be confirmed by functional studies. The variant allele was found at a frequency of 2e-05 in 247860 control chromosomes. The available data on variant occurrences in the general population are insufficient to allow any conclusion about variant significance. To our knowledge, no occurrence of c.648+7C>T in individuals affected with Intellectual Developmental Disorder With Hypotonia, Impaired Speech, And Dysmorphic Facies and no experimental evidence demonstrating its impact on protein function have been reported. No clinical diagnostic laboratories have submitted clinical-significance assessments for this variant to ClinVar after 2014. Based on the evidence outlined above, the variant was classified as uncertain significance.